The following is an entry in ClinVar:

ClinVar aggregate classification (germline): Uncertain significance (1 of 4 stars; one submission).

Conditions:
Perlman syndrome (PRLMNS). Identifiers: Orphanet 2849, MedGen C0796113, MONDO:0009965, OMIM 267000.

Submission:

Labcorp Genetics (formerly Invitae), Labcorp
Classification: Uncertain significance for Perlman syndrome. Last evaluated: 2022-02-21. Review status: criteria provided, single submitter. Criteria: Invitae Variant Classification Sherloc (09022015). Collection method: clinical testing. Allele origin: germline.
Comment: This sequence change replaces cysteine, which is neutral and slightly polar, with serine, which is neutral and polar, at codon 312 of the DIS3L2 protein (p.Cys312Ser). This variant is not present in population databases (gnomAD no frequency). This variant has not been reported in the literature in individuals affected with DIS3L2-related conditions. Algorithms developed to predict the effect of missense changes on protein structure and function output the following: SIFT: "Tolerated"; PolyPhen-2: "Benign"; Align-GVGD: "Class C0". The serine amino acid residue is found in multiple mammalian species, which suggests that this missense change does not adversely affect protein function. In summary, the available evidence is currently insufficient to determine the role of this variant in disease. Therefore, it has been classified as a Variant of Uncertain Significance.

NM_152383.5(DIS3L2):c.934T>A (p.Cys312Ser)

Gene: DIS3L2 (DIS3 like 3'-5' exoribonuclease 2; plus strand). Cytogenetic location: 2q37.1.
Variant type: single nucleotide variant.
Coding change: c.934T>A on transcript NM_152383.5 (MANE Select); coding-DNA position 934, T replaced by A.
Protein change: p.Cys312Ser; replaces cysteine 312 with serine.
Molecular consequence: missense variant. On other transcripts: non-coding transcript variant (1).
Genome position (GRCh38, 1-based): chr2:232,136,703, T>A. VCF-style: chr2-232136703-T-A. GRCh37 (hg19) VCF-style: chr2-233001413-T-A.
Other names: c.934T>A, p.Cys312Ser (NM_001257281.2); short protein forms C312S.
Identifiers: ClinVar variation 2177069 (VCV002177069.4), dbSNP rs1698368959, ClinGen allele CA351153915.